The following is an entry in ClinVar:

NM_000046.5(ARSB):c.680C>A (p.Pro227Gln)

Gene: ARSB (arylsulfatase B; minus strand). Cytogenetic location: 5q14.1.
Variant type: single nucleotide variant.
Coding change: c.680C>A on transcript NM_000046.5 (MANE Select); coding-DNA position 680, C replaced by A.
Protein change: p.Pro227Gln; replaces proline 227 with glutamine.
Molecular consequence: missense variant.
Genome position (GRCh38, 1-based): chr5:78,964,426, G>T on the plus strand (C>A on the coding strand, the complement: ARSB is on the minus strand). VCF-style: chr5-78964426-G-T. GRCh37 (hg19) VCF-style: chr5-78260249-G-T.
Other names: c.680C>A, p.Pro227Gln (NM_198709.3); short protein forms P227Q.
Identifiers: ClinVar variation 2171567 (VCV002171567.1), dbSNP rs1361219867, ClinGen allele CA360192995.

ClinVar aggregate classification (germline): Uncertain significance (1 of 4 stars; one submission).

Conditions:
Mucopolysaccharidosis type 6 (MPS6). Also called: MPS 6; Maroteaux Lamy syndrome; N-ACETYLGALACTOSAMINE-4-SULFATASE DEFICIENCY; MPS VI; ARSB DEFICIENCY; ARYLSULFATASE B DEFICIENCY. Identifiers: Orphanet 583, MedGen C0026709, MONDO:0009661, OMIM 253200.

Allele frequency attached by ClinVar (database versions not stated): gnomAD exomes below 0.00001; TOPMed below 0.00001.
gnomAD v4.1: 4 of 1,613,796 alleles (0.00025%); highest among the groups gnomAD compares: Admixed American, 0.005%; no homozygotes.

Submission:

Labcorp Genetics (formerly Invitae), Labcorp
Classification: Uncertain significance for Mucopolysaccharidosis type 6. Last evaluated: 2022-06-29. Review status: criteria provided, single submitter. Criteria: Invitae Variant Classification Sherloc (09022015). Collection method: clinical testing. Allele origin: germline.
Comment: This sequence change replaces proline, which is neutral and non-polar, with glutamine, which is neutral and polar, at codon 227 of the ARSB protein (p.Pro227Gln). This variant is not present in population databases (gnomAD no frequency). This variant has not been reported in the literature in individuals affected with ARSB-related conditions. Advanced modeling of protein sequence and biophysical properties (such as structural, functional, and spatial information, amino acid conservation, physicochemical variation, residue mobility, and thermodynamic stability) performed at Invitae indicates that this missense variant is not expected to disrupt ARSB protein function. In summary, the available evidence is currently insufficient to determine the role of this variant in disease. Therefore, it has been classified as a Variant of Uncertain Significance.